The following is an entry in ClinVar:

ClinVar aggregate classification (germline): Uncertain significance. Review status: criteria provided, multiple submitters, no conflicts (2 of 4 stars). 3 submissions from 3 submitters: Uncertain significance (3). Last evaluated 2025-06-03.

Conditions:
Hereditary nonpolyposis colorectal neoplasms. Identifiers: MedGen C0009405, MeSH D003123.
Hereditary cancer-predisposing syndrome. Also called: Neoplastic Syndromes, Hereditary; Hereditary Cancer Syndrome; Hereditary neoplastic syndrome; Tumor predisposition. Identifiers: Orphanet 140162, MedGen C0027672, MeSH D009386, MONDO:0015356.

Submissions (3):

Color Diagnostics, LLC DBA Color Health
Classification: Uncertain significance for Hereditary cancer-predisposing syndrome. Last evaluated: 2025-06-03. Review status: criteria provided, single submitter. Criteria: ACMG Guidelines, 2015. Collection method: clinical testing. Allele origin: germline.
Comment: This missense variant replaces phenylalanine with isoleucine at codon 424 of the PMS2 protein. Computational prediction suggests that this variant may not impact protein structure and function. To our knowledge, functional studies have not been reported for this variant. This variant has not been reported in individuals affected with PMS2-related disorders in the literature. This variant has not been identified in the general population by the Genome Aggregation Database (gnomAD). The available evidence is insufficient to determine the role of this variant in disease conclusively. Therefore, this variant is classified as a Variant of Uncertain Significance.

Labcorp Genetics (formerly Invitae), Labcorp
Classification: Uncertain significance for Hereditary nonpolyposis colorectal neoplasms. Last evaluated: 2024-02-28. Review status: criteria provided, single submitter. Criteria: Invitae Variant Classification Sherloc (09022015). Collection method: clinical testing. Allele origin: germline.
Comment: This sequence change replaces phenylalanine, which is neutral and non-polar, with isoleucine, which is neutral and non-polar, at codon 424 of the PMS2 protein (p.Phe424Ile). This variant is not present in population databases (gnomAD no frequency). This variant has not been reported in the literature in individuals affected with PMS2-related conditions. ClinVar contains an entry for this variant (Variation ID: 2566077). Advanced modeling of protein sequence and biophysical properties (such as structural, functional, and spatial information, amino acid conservation, physicochemical variation, residue mobility, and thermodynamic stability) performed at Invitae indicates that this missense variant is expected to disrupt PMS2 protein function with a positive predictive value of 80%. In summary, the available evidence is currently insufficient to determine the role of this variant in disease. Therefore, it has been classified as a Variant of Uncertain Significance.

Ambry Genetics
Classification: Uncertain significance for Hereditary cancer-predisposing syndrome. Last evaluated: 2023-05-03. Review status: criteria provided, single submitter. Criteria: Ambry Variant Classification Scheme 2023. Collection method: clinical testing. Allele origin: germline.
Comment: The p.F424I variant (also known as c.1270T>A), located in coding exon 11 of the PMS2 gene, results from a T to A substitution at nucleotide position 1270. The phenylalanine at codon 424 is replaced by isoleucine, an amino acid with highly similar properties. This amino acid position is conserved. In addition, the in silico prediction for this alteration is inconclusive. Since supporting evidence is limited at this time, the clinical significance of this alteration remains unclear.

NM_000535.7(PMS2):c.1270T>A (p.Phe424Ile)

Gene: PMS2 (PMS1 homolog 2, mismatch repair system component; minus strand). Cytogenetic location: 7p22.1.
Variant type: single nucleotide variant.
Coding change: c.1270T>A on transcript NM_000535.7 (MANE Select); coding-DNA position 1270, T replaced by A.
Protein change: p.Phe424Ile; replaces phenylalanine 424 with isoleucine.
Molecular consequence: missense variant. On other transcripts: non-coding transcript variant (1), intron variant (1).
Genome position (GRCh38, 1-based): chr7:5,987,495, A>T on the plus strand (T>A on the coding strand, the complement: PMS2 is on the minus strand). VCF-style: chr7-5987495-A-T. GRCh37 (hg19) VCF-style: chr7-6027126-A-T.
Other names: c.865T>A, p.Phe289Ile (NM_001406890.1, NM_001406891.1, NM_001406892.1 and 17 more transcripts); c.805T>A, p.Phe269Ile (NM_001406900.1); c.796T>A, p.Phe266Ile (NM_001406901.1, NM_001406902.1); c.952T>A, p.Phe318Ile (NM_001406903.1, NM_001322007.2, NM_001322008.2 and 2 more transcripts); c.757T>A, p.Phe253Ile (NM_001406904.1, NM_001406905.1); c.709T>A, p.Phe237Ile (NM_001406906.1, NM_001406907.1, NM_001322010.2); c.697T>A, p.Phe233Ile (NM_001406909.1, NM_001322013.2); c.499T>A, p.Phe167Ile (NM_001406911.1); and 13 more; short protein forms F167I, F266I, F321I, F368I, F372I, F424I, F253I, F113I.
Identifiers: ClinVar variation 2566077 (VCV002566077.5), dbSNP rs1562635229, ClinGen allele CA366742445.